The following is an entry in ClinVar:

ClinVar aggregate classification (germline): Likely benign. Review status: criteria provided, single submitter (1 of 4 stars). 2 submissions from 2 submitters: Likely benign (1). 1 of the submissions does not count toward it. Last evaluated 2024-10-25.

Conditions:
TTC7A-related disorder. Also called: TTC7A-related condition.
Multiple gastrointestinal atresias. Also called: FAMILIAL INTESTINAL POLYATRESIA SYNDROME; Multiple intestinal atresia. Identifiers: Orphanet 2300, MedGen C0220744, MONDO:0009465.

Allele frequency attached by ClinVar (database versions not stated): ExAC 0.00003; TOPMed 0.00001; gnomAD exomes 0.00002.
gnomAD v4.1: 9 of 1,611,266 alleles (0.00056%); highest among the groups gnomAD compares: Admixed American, 0.015%; no homozygotes.

Submissions (2):

Labcorp Genetics (formerly Invitae), Labcorp
Classification: Likely benign for Multiple gastrointestinal atresias. Last evaluated: 2024-10-25. Review status: criteria provided, single submitter. Criteria: Invitae Variant Classification Sherloc (09022015). Collection method: clinical testing. Allele origin: germline.

PreventionGenetics, part of Exact Sciences
Classification: Likely benign for TTC7A-related condition. Last evaluated: 2023-07-12. Review status: no assertion criteria provided. Collection method: clinical testing. Allele origin: germline. Not counted in ClinVar's aggregate classification.
Comment: This variant is classified as likely benign based on ACMG/AMP sequence variant interpretation guidelines (Richards et al. 2015 PMID: 25741868, with internal and published modifications).

NM_020458.4(TTC7A):c.2052G>C (p.Arg684=)

Gene: TTC7A (tetratricopeptide repeat domain 7A; plus strand). Cytogenetic location: 2p21.
Variant type: single nucleotide variant.
Coding change: c.2052G>C on transcript NM_020458.4 (MANE Select); coding-DNA position 2052, G replaced by C.
Protein change: p.Arg684=; no amino-acid change (arginine 684 retained).
Molecular consequence: synonymous variant.
Genome position (GRCh38, 1-based): chr2:47,051,780, G>C. VCF-style: chr2-47051780-G-C. GRCh37 (hg19) VCF-style: chr2-47278919-G-C.
Other names: c.2124G>C, p.Arg708= (NM_001288951.2); c.1950G>C, p.Arg650= (NM_001288953.2); c.990G>C, p.Arg330= (NM_001288955.2); c.2052G>C (NM_020458.3).
Identifiers: ClinVar variation 2055016 (VCV002055016.6), dbSNP rs746040868, ClinGen allele CA1647995.